The following is an entry in ClinVar:

ClinVar aggregate classification (germline): Benign/Likely benign. Review status: criteria provided, multiple submitters, no conflicts (2 of 4 stars). 4 submissions from 4 submitters: Benign (1); Likely benign (3). Last evaluated 2025-02-18.

Conditions:
Oligodontia-cancer predisposition syndrome. Also called: TOOTH AGENESIS-COLORECTAL CANCER SYNDROME. Identifiers: Orphanet 300576, MedGen C1837750, MONDO:0012075, OMIM 608615. Disease mechanism: loss of function.
Hereditary cancer-predisposing syndrome. Also called: Hereditary neoplastic syndrome; Hereditary Cancer Syndrome; Neoplastic Syndromes, Hereditary; Tumor predisposition. Identifiers: Orphanet 140162, MedGen C0027672, MeSH D009386, MONDO:0015356.

Submissions (4):

Labcorp Genetics (formerly Invitae), Labcorp
Classification: Likely benign for Oligodontia-cancer predisposition syndrome. Last evaluated: 2025-02-18. Review status: criteria provided, single submitter. Criteria: Invitae Variant Classification Sherloc (09022015). Collection method: clinical testing. Allele origin: germline.

Myriad Genetics, Inc.
Classification: Benign for Oligodontia-cancer predisposition syndrome. Last evaluated: 2024-06-26. Review status: criteria provided, single submitter. Criteria: Myriad Autosomal Dominant, Autosomal Recessive and X-Linked Classification Criteria (2023). Collection method: clinical testing. Allele origin: unknown.
Comment: This variant is considered benign. This variant is a silent/synonymous amino acid change and it is not expected to impact splicing.

Ambry Genetics
Classification: Likely benign for Hereditary cancer-predisposing syndrome. Last evaluated: 2021-09-20. Review status: criteria provided, single submitter. Criteria: Ambry Variant Classification Scheme 2023. Collection method: clinical testing. Allele origin: germline.

GeneDx
Classification: Likely benign. Last evaluated: 2017-01-20. Review status: criteria provided, single submitter. Criteria: GeneDx Variant Classification (06012015). Collection method: clinical testing. Allele origin: germline. Affected: yes.
Comment: This variant is considered likely benign or benign based on one or more of the following criteria: it is a conservative change, it occurs at a poorly conserved position in the protein, it is predicted to be benign by multiple in silico algorithms, and/or has population frequency not consistent with disease.

NM_004655.4(AXIN2):c.501T>C (p.Asp167=)

Gene: AXIN2 (axin 2; minus strand). Cytogenetic location: 17q24.1.
Variant type: single nucleotide variant.
Coding change: c.501T>C on transcript NM_004655.4 (MANE Select); coding-DNA position 501, T replaced by C.
Protein change: p.Asp167=; no amino-acid change (aspartic acid 167 retained).
Molecular consequence: synonymous variant.
Genome position (GRCh38, 1-based): chr17:65,558,120, A>G on the plus strand (T>C on the coding strand, the complement: AXIN2 is on the minus strand). VCF-style: chr17-65558120-A-G. GRCh37 (hg19) VCF-style: chr17-63554238-A-G.
Other names: c.501T>C (LRG_296t1); c.501T>C, p.Asp167= (NM_001363813.1).
Identifiers: ClinVar variation 506996 (VCV000506996.13), dbSNP rs375603095, ClinGen allele CA501691654.
Genomic context (GRCh38, chr17:65,558,120, plus strand): 5'-GTAGGCATTTTCCTCCATCACCGACTGGATCTCGGTCTGCGCCTGGTCAAACATGATGGA[A>G]TCAATCTGCTGCTTCTTGATGCCATCTCTTATGTAGGTCTTGGTGGCAGGCTTCAGCTGC-3'
Protein context (NP_004646.3, residues 157-177): IRDGIKKQQI[Asp167=]SIMFDQAQTE